The following is an entry in ClinVar:

ClinVar aggregate classification (germline): Uncertain significance. Review status: criteria provided, multiple submitters, no conflicts (2 of 4 stars). 4 submissions from 3 submitters: Uncertain significance (4). Last evaluated 2026-09-23.

Conditions:
Autosomal recessive nonsyndromic hearing loss 12. Also called: DEAFNESS, AUTOSOMAL RECESSIVE 12. Identifiers: Orphanet 90636, MedGen C1832394, MONDO:0011067, OMIM 601386.
Usher syndrome type 1D (USH1D). Also called: USHER SYNDROME, TYPE ID. Identifiers: Orphanet 231169, Orphanet 886, MedGen C1832845, MONDO:0010984, OMIM 601067.

Allele frequency attached by ClinVar (database versions not stated): gnomAD 0.00001; gnomAD exomes 0.00002 and 0.00004; TOPMed 0.00002; ExAC 0.00001.
gnomAD v4.1: 34 of 1,612,638 alleles (0.0021%); highest among the groups gnomAD compares: Admixed American, 0.012%; no homozygotes.

Submissions (4):

GeneDx
Classification: Uncertain significance. Last evaluated: 2026-09-23. Review status: criteria provided, single submitter. Criteria: GeneDx Variant Classification Process June 2021. Collection method: clinical testing. Allele origin: germline.
Comment: In silico analysis supports that this missense variant has a deleterious effect on protein structure/function; This variant is associated with the following publications: (PMID: 35982127)

Labcorp Genetics (formerly Invitae), Labcorp
Classification: Uncertain significance. Last evaluated: 2022-08-22. Review status: criteria provided, single submitter. Criteria: Invitae Variant Classification Sherloc (09022015). Collection method: clinical testing. Allele origin: germline.
Comment: This sequence change replaces glycine, which is neutral and non-polar, with serine, which is neutral and polar, at codon 945 of the CDH23 protein (p.Gly945Ser). This variant is present in population databases (rs760043975, gnomAD 0.02%). This variant has not been reported in the literature in individuals affected with CDH23-related conditions. ClinVar contains an entry for this variant (Variation ID: 1195907). Algorithms developed to predict the effect of missense changes on protein structure and function are either unavailable or do not agree on the potential impact of this missense change (SIFT: "Deleterious"; PolyPhen-2: "Not Available"; Align-GVGD: "Class C55"). In summary, the available evidence is currently insufficient to determine the role of this variant in disease. Therefore, it has been classified as a Variant of Uncertain Significance.

Genome-Nilou Lab
Classification: Uncertain significance for Autosomal recessive nonsyndromic hearing loss 12. Last evaluated: 2021-07-14. Review status: criteria provided, single submitter. Criteria: ACMG Guidelines, 2015. Collection method: clinical testing. Allele origin: germline. Affected: no.

Genome-Nilou Lab
Classification: Uncertain significance for Usher syndrome type 1D. Last evaluated: 2021-07-14. Review status: criteria provided, single submitter. Criteria: ACMG Guidelines, 2015. Collection method: clinical testing. Allele origin: germline. Affected: no.

NM_022124.6(CDH23):c.2833G>A (p.Gly945Ser)

Gene: CDH23 (cadherin related 23; plus strand). Cytogenetic location: 10q22.1.
Variant type: single nucleotide variant.
Coding change: c.2833G>A on transcript NM_022124.6 (MANE Select); coding-DNA position 2833, G replaced by A.
Protein change: p.Gly945Ser; replaces glycine 945 with serine.
Molecular consequence: missense variant.
Genome position (GRCh38, 1-based): chr10:71,705,010, G>A. VCF-style: chr10-71705010-G-A. GRCh37 (hg19) VCF-style: chr10-73464767-G-A.
Other names: c.2833G>A, p.Gly945Ser (NM_001171930.2, NM_001171931.2); short protein forms G945S.
Identifiers: ClinVar variation 1195907 (VCV001195907.8), dbSNP rs760043975, ClinGen allele CA5544354.
Genomic context (GRCh38, chr10:71,705,010, plus strand): 5'-GTGTCCTACCGCATGCCGGTGGGCATGCCCCGCATGGACTTCCTCATCAACAGCAGCAGC[G>A]GCGTGGTGGTCACCACCACCGAGCTGGACCGCGAGCGCATCGCGGAGTACCAGCTGCGGG-3'
Protein context (NP_071407.4, residues 935-955): RMDFLINSSS[Gly945Ser]VVVTTTELDR